The following is an entry in ClinVar:

ClinVar aggregate classification (germline): Pathogenic. Review status: reviewed by expert panel (3 of 4 stars). 3 submissions from 3 submitters: Pathogenic (1). 2 of the submissions do not count toward it. Last evaluated 2016-10-18.

Conditions:
Breast-ovarian cancer, familial, susceptibility to, 1 (BROVCA1). Also called: OVARIAN CANCER, SUSCEPTIBILITY TO; BRCA1 Hereditary Breast and Ovarian Cancer. Identifiers: Orphanet 145, MedGen C2676676, MONDO:0011450, OMIM 604370. Disease mechanism: loss of function.

Allele frequency attached by ClinVar (database versions not stated): gnomAD exomes below 0.00001.

Submissions (3):

Evidence-based Network for the Interpretation of Germline Mutant Alleles (ENIGMA)
Classification: Pathogenic for Breast-ovarian cancer, familial, susceptibility to, 1. Last evaluated: 2016-10-18. Review status: reviewed by expert panel. Criteria: ENIGMA BRCA1/2 Classification Criteria (2015). Collection method: curation. Allele origin: germline.
Comment: Variant allele predicted to encode a truncated non-functional protein.

Molecular Pathology, Peter Maccallum Cancer Centre
Classification: Pathogenic for Breast-ovarian cancer, familial, susceptibility to, 1. Last evaluated: 2024-01-25. Review status: criteria provided, single submitter. Criteria: ACMG Guidelines, 2015. Collection method: clinical testing. Allele origin: germline. Inheritance: Autosomal dominant inheritance. Not counted in ClinVar's aggregate classification.

Consortium of Investigators of Modifiers of BRCA1/2 (CIMBA), c/o University of Cambridge
Classification: Pathogenic for Breast-ovarian cancer, familial, susceptibility to, 1. Last evaluated: 2015-10-02. Review status: criteria provided, single submitter. Criteria: CIMBA Mutation Classification guidelines May 2016. Collection method: clinical testing. Allele origin: germline. Not counted in ClinVar's aggregate classification.

NM_007294.4(BRCA1):c.2552_2553del (p.Glu851fs)

Gene: BRCA1 (BRCA1 DNA repair associated; minus strand). Cytogenetic location: 17q21.31.
Variant type: Deletion.
Coding change: c.2552_2553del on transcript NM_007294.4 (MANE Select); coding-DNA positions 2552 to 2553, 2 bases deleted (AA; older notation c.2552_2553delAA).
Protein change: p.Glu851fs; shifts the reading frame from glutamic acid 851.
Molecular consequence: frameshift variant. On other transcripts: intron variant (137).
Genome position (GRCh38, 1-based): chr17:43,092,978-43,092,979, TT deleted on the plus strand (AA on the coding strand, the reverse complement: BRCA1 is on the minus strand). VCF-style (leftmost placement, unchanged base first): chr17-43092977-GTT-G. GRCh37 (hg19) VCF-style: chr17-41244994-GTT-G.
Other names: 2671delAA; c.577+1765_577+1766del (NM_001408489.1, NM_001408479.1, NM_001408482.1 and 9 more transcripts); c.661+1765_661+1766del (NM_001408445.1, NM_001408432.1, NM_001408450.1 and 6 more transcripts); c.668-1947_668-1946del (NM_001408431.1, NM_001408424.1, NM_001408421.1); c.784+1765_784+1766del (NM_001408407.1, NM_001408402.1, NM_001408473.1 and 13 more transcripts); c.664+1765_664+1766del (NM_001408443.1, NM_001408439.1, NM_001408425.1 and 12 more transcripts); c.671-1947_671-1946del (NM_001408419.1, NM_001408422.1, NM_001408418.1 and 2 more transcripts); c.787+1765_787+1766del (NM_001408403.1, NM_001407983.1, NM_001407975.1 and 17 more transcripts); and 42 more; short protein forms E804fs, E851fs, E739fs, E724fs, E740fs, E781fs, E783fs, E683fs.
Identifiers: ClinVar variation 266280 (VCV000266280.7), dbSNP rs886040050, ClinGen allele CA10589834.